The following is an entry in ClinVar:

NM_005445.4(SMC3):c.2116+23G>A

Gene: SMC3 (structural maintenance of chromosomes 3; plus strand). Cytogenetic location: 10q25.2.
Variant type: single nucleotide variant.
Coding change: c.2116+23G>A on transcript NM_005445.4 (MANE Select); 23 bases into the intron after coding-DNA position 2116, G replaced by A.
Molecular consequence: intron variant.
Genome position (GRCh38, 1-based): chr10:110,596,573, G>A. VCF-style: chr10-110596573-G-A. GRCh37 (hg19) VCF-style: chr10-112356331-G-A.
Identifiers: ClinVar variation 259768 (VCV000259768.5), dbSNP rs7075340, ClinGen allele CA5688113.
Genomic context (GRCh38, chr10:110,596,573, plus strand): 5'-AGCAAAGCTCAATGAAAACCTGCGCAGAAATATTGAAAATATCTTTTTGTTTTGTGCATA[G>A]TGATAGATATTGTGGGGGAAGAACTGTGTTTTGGTTGCCATATATAATCTTTTGTTTTTT-3'

ClinVar aggregate classification (germline): Benign. Review status: criteria provided, multiple submitters, no conflicts (2 of 4 stars). 4 submissions from 4 submitters: Benign (4). Last evaluated 2021-07-15.

Conditions:
Cornelia de Lange syndrome 3 (CDLS3). Also called: SMC3-Related Cornelia de Lange Syndrome; CORNELIA DE LANGE SYNDROME 3 WITH OR WITHOUT MIDLINE BRAIN DEFECTS. Identifiers: Orphanet 199, MedGen C1853099, MONDO:0012555, OMIM 610759.

Allele frequency attached by ClinVar (database versions not stated): 1000 Genomes Project 30x 0.95565; 1000 Genomes Project 0.95727; TOPMed 0.96182; gnomAD 0.96693 and 0.96825; ESP Exome Variant Server 0.97262; ExAC 0.97925.
gnomAD v4.1: 1,590,135 of 1,611,826 alleles (99%); highest among the groups gnomAD compares: South Asian, 100%; 784,671 homozygotes.

Submissions (4):

Genome-Nilou Lab
Classification: Benign for Cornelia de Lange syndrome 3. Last evaluated: 2021-07-15. Review status: criteria provided, single submitter. Criteria: ACMG Guidelines, 2015. Collection method: clinical testing. Allele origin: germline. Affected: no.

GeneDx
Classification: Benign. Last evaluated: 2018-06-16. Review status: criteria provided, single submitter. Criteria: GeneDx Variant Classification (06012015). Collection method: clinical testing. Allele origin: germline. Affected: yes.
Comment: This variant is considered likely benign or benign based on one or more of the following criteria: it is a conservative change, it occurs at a poorly conserved position in the protein, it is predicted to be benign by multiple in silico algorithms, and/or has population frequency not consistent with disease.

Breakthrough Genomics
Classification: Benign. Review status: criteria provided, single submitter. Criteria: ACMG Guidelines, 2015. Collection method: not provided. Allele origin: germline. Inheritance: Autosomal dominant inheritance. Affected: yes.

PreventionGenetics, part of Exact Sciences
Classification: Benign. Review status: criteria provided, single submitter. Criteria: ACMG Guidelines, 2015. Collection method: clinical testing. Allele origin: germline.